The following is an entry in ClinVar:

NM_000553.6(WRN):c.2505A>C (p.Gln835His)

Gene: WRN (WRN RecQ like helicase; plus strand). Cytogenetic location: 8p12.
Variant type: single nucleotide variant.
Coding change: c.2505A>C on transcript NM_000553.6 (MANE Select); coding-DNA position 2505, A replaced by C.
Protein change: p.Gln835His; replaces glutamine 835 with histidine.
Molecular consequence: missense variant.
Genome position (GRCh38, 1-based): chr8:31,120,299, A>C. VCF-style: chr8-31120299-A-C. GRCh37 (hg19) VCF-style: chr8-30977815-A-C.
Other names: short protein forms Q835H.
Identifiers: ClinVar variation 528112 (VCV000528112.4), dbSNP rs1554528366, ClinGen allele CA370915350.

ClinVar aggregate classification (germline): Uncertain significance (1 of 4 stars; one submission).

Conditions:
Werner syndrome (WRN). Identifiers: Orphanet 902, MedGen C0043119, MONDO:0010196, OMIM 277700.

Submission:

Labcorp Genetics (formerly Invitae), Labcorp
Classification: Uncertain significance for Werner syndrome. Last evaluated: 2017-12-21. Review status: criteria provided, single submitter. Criteria: Invitae Variant Classification Sherloc (09022015). Collection method: clinical testing. Allele origin: germline.
Comment: This sequence change replaces glutamine with histidine at codon 835 of the WRN protein (p.Gln835His). The glutamine residue is weakly conserved and there is a small physicochemical difference between glutamine and histidine. This variant is not present in population databases (ExAC no frequency). This variant has not been reported in the literature in individuals with WRN-related disease. Algorithms developed to predict the effect of missense changes on protein structure and function do not agree on the potential impact of this missense change (SIFT: "Tolerated"; PolyPhen-2: "Possibly Damaging"; Align-GVGD: "Class C0"). In summary, the available evidence is currently insufficient to determine the role of this variant in disease. Therefore, it has been classified as a Variant of Uncertain Significance.